The following is an entry in ClinVar:

ClinVar aggregate classification (germline): Uncertain significance (1 of 4 stars; one submission).

Submission:

Labcorp Genetics (formerly Invitae), Labcorp
Classification: Uncertain significance. Last evaluated: 2022-04-15. Review status: criteria provided, single submitter. Criteria: Invitae Variant Classification Sherloc (09022015). Collection method: clinical testing. Allele origin: germline.
Comment: In summary, the available evidence is currently insufficient to determine the role of this variant in disease. Therefore, it has been classified as a Variant of Uncertain Significance. This sequence change affects codon 20 of the GPR45 mRNA. It is a 'silent' change, meaning that it does not change the encoded amino acid sequence of the GPR45 protein. This variant is present in population databases (no rsID available, gnomAD 0.0009%). This variant has not been reported in the literature in individuals affected with GPR45-related conditions. Experimental studies and prediction algorithms are not available or were not evaluated, and the effect of this variant on mRNA splicing is currently unknown.

NM_007227.3(GPR45):c.60C>T (p.Asn20=)

Gene: GPR45 (G protein-coupled receptor 45; plus strand). Cytogenetic location: 2q12.1.
Variant type: single nucleotide variant.
Coding change: c.60C>T on transcript NM_007227.3 (MANE Select); coding-DNA position 60, C replaced by T.
Protein change: p.Asn20=; no amino-acid change (asparagine 20 retained).
Molecular consequence: synonymous variant.
Genome position (GRCh38, 1-based): chr2:105,241,918, C>T. VCF-style: chr2-105241918-C-T. GRCh37 (hg19) VCF-style: chr2-105858375-C-T.
Identifiers: ClinVar variation 2126398 (VCV002126398.4), dbSNP rs1230597460, ClinGen allele CA428034420.